The following is an entry in ClinVar:

NM_002524.5(NRAS):c.36T>G (p.Gly12=)

Gene: NRAS (NRAS proto-oncogene, GTPase; minus strand). Cytogenetic location: 1p13.2.
Variant type: single nucleotide variant.
Coding change: c.36T>G on transcript NM_002524.5 (MANE Select); coding-DNA position 36, T replaced by G.
Protein change: p.Gly12=; no amino-acid change (glycine 12 retained).
Molecular consequence: synonymous variant.
Genome position (GRCh38, 1-based): chr1:114,716,125, A>C on the plus strand (T>G on the coding strand, the complement: NRAS is on the minus strand). VCF-style: chr1-114716125-A-C. GRCh37 (hg19) VCF-style: chr1-115258746-A-C.
Other names: NM_002524.5(NRAS):c.36T>G; p.Gly12=; c.36T>G (LRG_92t1).
Identifiers: ClinVar variation 380330 (VCV000380330.18), dbSNP rs759764705, ClinGen allele CA1020785.

ClinVar aggregate classification (germline): Benign. Review status: reviewed by expert panel (3 of 4 stars). 8 submissions from 8 submitters: Benign (1). 7 of the submissions do not count toward it. Last evaluated 2024-09-17.

Conditions:
Noonan syndrome 6 (NS6). Also called: NRAS-Related Noonan Syndrome. Identifiers: Orphanet 648, MedGen C2750732, MONDO:0013186, OMIM 613224.
NRAS-related disorder. Also called: NRAS-related condition.
Cardiovascular phenotype. Identifiers: MedGen CN230736.
RASopathy. Also called: rasopathies; Noonan spectrum disorder. Identifiers: Orphanet 536391, MedGen C5555857, MONDO:0021060.

Allele frequency attached by ClinVar (database versions not stated): gnomAD 0.00005 and 0.00006; ExAC 0.00006; TOPMed 0.00006; gnomAD exomes 0.00009.
gnomAD v4.1: 83 of 1,613,784 alleles (0.0051%); highest among the groups gnomAD compares: Admixed American, 0.0033%; no homozygotes.

Submissions (8):

ClinGen RASopathy Variant Curation Expert Panel
Classification: Benign for RASopathy. Last evaluated: 2024-09-17. Review status: reviewed by expert panel. Criteria: ClinGen RASopathy ACMG Specifications NRAS V2.1.0. Collection method: curation. Allele origin: germline. Inheritance: Autosomal dominant inheritance.
Comment: The c.36T>G (p.Gly12=) variant in NRAS is a synonymous (silent) variant that is not predicted by SpliceAI to impact splicing. In addition, it occurs at a nucleotide that is not conserved as shown by UCSC Genome Browser (BP4, BP7). The highest population minor allele frequency in gnomAD v2.1.1 is 0.0011 (18/10370 alleles) in the Ashkenazi Jewish population, which is higher than the ClinGen RASopathy VCEP threshold (>0.0005) for BA1, and therefore meets this criterion (BA1). In summary, this variant meets the criteria to be classified as benign for autosomal dominant RASopathy based on the ACMG/AMP criteria applied, as specified by the ClinGen RASopathy VCEP: BA1, BP4, BP7. (RASopathy VCEP specifications version 2.1; 9/17/2024)

Labcorp Genetics (formerly Invitae), Labcorp
Classification: Benign for RASopathy. Last evaluated: 2025-12-08. Review status: criteria provided, single submitter. Criteria: Invitae Variant Classification Sherloc (09022015). Collection method: clinical testing. Allele origin: germline. Not counted in ClinVar's aggregate classification.

Blueprint Genetics
Classification: Likely benign. Last evaluated: 2024-04-19. Review status: criteria provided, single submitter. Criteria: ACMG Guidelines, 2015. Collection method: clinical testing. Allele origin: germline. Not counted in ClinVar's aggregate classification.

Women's Health and Genetics/Laboratory Corporation of America, LabCorp
Classification: Benign. Last evaluated: 2021-10-30. Review status: criteria provided, single submitter. Criteria: LabCorp Variant Classification Summary - May 2015. Collection method: clinical testing. Allele origin: germline. Not counted in ClinVar's aggregate classification.

Ambry Genetics
Classification: Likely benign for Cardiovascular phenotype. Last evaluated: 2019-06-17. Review status: criteria provided, single submitter. Criteria: Ambry Variant Classification Scheme 2023. Collection method: clinical testing. Allele origin: germline. Not counted in ClinVar's aggregate classification.

GeneDx
Classification: Likely benign. Last evaluated: 2017-10-25. Review status: criteria provided, single submitter. Criteria: GeneDx Variant Classification (06012015). Collection method: clinical testing. Allele origin: germline. Affected: yes. Not counted in ClinVar's aggregate classification.
Comment: This variant is considered likely benign or benign based on one or more of the following criteria: it is a conservative change, it occurs at a poorly conserved position in the protein, it is predicted to be benign by multiple in silico algorithms, and/or has population frequency not consistent with disease.

Illumina Laboratory Services, Illumina
Classification: Likely benign for Noonan syndrome 6. Last evaluated: 2017-04-28. Review status: criteria provided, single submitter. Criteria: ICSL Variant Classification Criteria 13 December 2019. Collection method: clinical testing. Allele origin: germline. Not counted in ClinVar's aggregate classification.
Comment: This variant was observed as part of a predisposition screen in an ostensibly healthy population. A literature search was performed for the gene, cDNA change, and amino acid change (where applicable). No publications were found based on this search. Allele frequency data from public databases allowed determination this variant is unlikely to cause disease. Therefore, this variant is classified as likely benign.

PreventionGenetics, part of Exact Sciences
Classification: Likely benign for NRAS-related condition. Last evaluated: 2020-10-02. Review status: no assertion criteria provided. Collection method: clinical testing. Allele origin: germline. Not counted in ClinVar's aggregate classification.
Comment: This variant is classified as likely benign based on ACMG/AMP sequence variant interpretation guidelines (Richards et al. 2015 PMID: 25741868, with internal and published modifications).

Literature cited by the submitters: PubMed 26980726 (cited by Women's Health and Genetics/Laboratory Corporation of America, LabCorp); PubMed 27121720 (cited by Women's Health and Genetics/Laboratory Corporation of America, LabCorp); PubMed 24806883 (cited by Women's Health and Genetics/Laboratory Corporation of America, LabCorp); PubMed 17671181 (cited by Women's Health and Genetics/Laboratory Corporation of America, LabCorp); PubMed 23325582 (cited by Women's Health and Genetics/Laboratory Corporation of America, LabCorp); PubMed 22220252 (cited by Women's Health and Genetics/Laboratory Corporation of America, LabCorp); PubMed 16434492 (cited by Women's Health and Genetics/Laboratory Corporation of America, LabCorp); PubMed 23708912 (cited by Women's Health and Genetics/Laboratory Corporation of America, LabCorp); PubMed 29692343 (cited by Women's Health and Genetics/Laboratory Corporation of America, LabCorp).